The following is an entry in ClinVar:

NM_024675.4(PALB2):c.2489A>T (p.Glu830Val)

Gene: PALB2 (partner and localizer of BRCA2; minus strand). Cytogenetic location: 16p12.2.
Variant type: single nucleotide variant.
Coding change: c.2489A>T on transcript NM_024675.4 (MANE Select); coding-DNA position 2489, A replaced by T.
Protein change: p.Glu830Val; replaces glutamic acid 830 with valine.
Molecular consequence: missense variant. On other transcripts: intron variant (1).
Genome position (GRCh38, 1-based): chr16:23,629,665, T>A on the plus strand (A>T on the coding strand, the complement: PALB2 is on the minus strand). VCF-style: chr16-23629665-T-A. GRCh37 (hg19) VCF-style: chr16-23640986-T-A.
Other names: c.2429A>T, p.Glu810Val (NM_001407296.1); c.2489A>T, p.Glu830Val (NM_001407297.1, NM_001407298.1, NM_001407299.1 and 3 more transcripts); c.1604A>T, p.Glu535Val (NM_001407310.1, NM_001407311.1, NM_001407304.1 and 5 more transcripts); c.701A>T, p.Glu234Val (NM_001407312.1, NM_001407313.1); c.49-390A>T (NM_001407314.1); short protein forms E234V, E535V, E810V, E830V.
Identifiers: ClinVar variation 4861506 (VCV004861506.1).

ClinVar aggregate classification (germline): Uncertain significance (1 of 4 stars; one submission).

Conditions:
Hereditary cancer-predisposing syndrome. Also called: Neoplastic Syndromes, Hereditary; Tumor predisposition; Hereditary Cancer Syndrome; Hereditary neoplastic syndrome. Identifiers: Orphanet 140162, MedGen C0027672, MeSH D009386, MONDO:0015356.

Submission:

Ambry Genetics
Classification: Uncertain significance for Hereditary cancer-predisposing syndrome. Last evaluated: 2026-05-21. Review status: criteria provided, single submitter. Criteria: Ambry Variant Classification Scheme 2023. Collection method: clinical testing. Allele origin: germline.
Comment: The p.E830V variant (also known as c.2489A>T), located in coding exon 5 of the PALB2 gene, results from an A to T substitution at nucleotide position 2489. The glutamic acid at codon 830 is replaced by valine, an amino acid with dissimilar properties. This amino acid position is conserved. In addition, this alteration is predicted to be tolerated by in silico analysis. Based on the available evidence, the clinical significance of this variant remains unclear.